The following is an entry in ClinVar:

NM_015087.5(SPART):c.1156G>C (p.Gly386Arg)

Gene: SPART (spartin; minus strand). Cytogenetic location: 13q13.3.
Variant type: single nucleotide variant.
Coding change: c.1156G>C on transcript NM_015087.5 (MANE Select); coding-DNA position 1156, G replaced by C.
Protein change: p.Gly386Arg; replaces glycine 386 with arginine.
Molecular consequence: missense variant.
Genome position (GRCh38, 1-based): chr13:36,329,370, C>G on the plus strand (G>C on the coding strand, the complement: SPART is on the minus strand). VCF-style: chr13-36329370-C-G. GRCh37 (hg19) VCF-style: chr13-36903507-C-G.
Other names: c.1156G>C, p.Gly386Arg (NM_001142294.2, NM_001142295.2, NM_001142296.2); short protein forms G386R.
Identifiers: ClinVar variation 2022728 (VCV002022728.1), dbSNP rs368153772, ClinGen allele CA6949480.

ClinVar aggregate classification (germline): Uncertain significance (1 of 4 stars; one submission).

Allele frequency attached by ClinVar (database versions not stated): gnomAD 0.00001; ExAC 0.00002; TOPMed 0.00002; gnomAD exomes 0.00007; ESP Exome Variant Server 0.00008.
gnomAD v4.1: 107 of 1,613,898 alleles (0.0066%); highest among the groups gnomAD compares: Non-Finnish European, 0.0086%; no homozygotes.

Submission:

Labcorp Genetics (formerly Invitae), Labcorp
Classification: Uncertain significance. Last evaluated: 2022-01-19. Review status: criteria provided, single submitter. Criteria: Invitae Variant Classification Sherloc (09022015). Collection method: clinical testing. Allele origin: germline.
Comment: This sequence change replaces glycine, which is neutral and non-polar, with arginine, which is basic and polar, at codon 386 of the SPART protein (p.Gly386Arg). This variant is present in population databases (rs368153772, gnomAD 0.003%). This variant has not been reported in the literature in individuals affected with SPART-related conditions. Algorithms developed to predict the effect of missense changes on protein structure and function are either unavailable or do not agree on the potential impact of this missense change (SIFT: "Deleterious"; PolyPhen-2: "Benign"; Align-GVGD: "Class C0"). In summary, the available evidence is currently insufficient to determine the role of this variant in disease. Therefore, it has been classified as a Variant of Uncertain Significance.